The following is an entry in ClinVar:

NM_032043.3(BRIP1):c.347C>G (p.Ser116Cys)

Gene: BRIP1 (BRCA1 interacting DNA helicase 1; minus strand). Cytogenetic location: 17q23.2.
Variant type: single nucleotide variant.
Coding change: c.347C>G on transcript NM_032043.3 (MANE Select); coding-DNA position 347, C replaced by G.
Protein change: p.Ser116Cys; replaces serine 116 with cysteine.
Molecular consequence: missense variant.
Genome position (GRCh38, 1-based): chr17:61,857,090, G>C on the plus strand (C>G on the coding strand, the complement: BRIP1 is on the minus strand). VCF-style: chr17-61857090-G-C. GRCh37 (hg19) VCF-style: chr17-59934451-G-C.
Other names: short protein forms S116C.
Identifiers: ClinVar variation 187363 (VCV000187363.24), dbSNP rs748793974, ClinGen allele CA197460.

ClinVar aggregate classification (germline): Uncertain significance. Review status: criteria provided, multiple submitters, no conflicts (2 of 4 stars). 6 submissions from 6 submitters: Uncertain significance (6). Last evaluated 2026-02-03.

Conditions:
Familial cancer of breast. Also called: BREAST CANCER, FAMILIAL; Hereditary breast cancer; hereditary breast carcinoma. Identifiers: Orphanet 227535, MedGen C0346153, MONDO:0016419, OMIM 114480. Disease mechanism: loss of function.
Fanconi anemia complementation group J. Also called: BRIP1-Related Fanconi Anemia. Identifiers: Orphanet 84, MedGen C1836860, MONDO:0012187, OMIM 609054.
Hereditary cancer-predisposing syndrome. Also called: Hereditary Cancer Syndrome; Neoplastic Syndromes, Hereditary; Tumor predisposition; Hereditary neoplastic syndrome. Identifiers: Orphanet 140162, MedGen C0027672, MeSH D009386, MONDO:0015356.

Allele frequency attached by ClinVar (database versions not stated): gnomAD exomes 0.00001; ExAC 0.00002; TOPMed 0.00002; gnomAD 0.00003.
gnomAD v4.1: 19 of 1,613,980 alleles (0.0012%); highest among the groups gnomAD compares: Admixed American, 0.0017%; no homozygotes.

Submissions (6):

Labcorp Genetics (formerly Invitae), Labcorp
Classification: Uncertain significance for Familial cancer of breast; Fanconi anemia complementation group J. Last evaluated: 2026-02-03. Review status: criteria provided, single submitter. Criteria: Invitae Variant Classification Sherloc (09022015). Collection method: clinical testing. Allele origin: germline.
Comment: This sequence change replaces serine, which is neutral and polar, with cysteine, which is neutral and slightly polar, at codon 116 of the BRIP1 protein (p.Ser116Cys). This variant is present in population databases (rs748793974, gnomAD 0.002%). This missense change has been observed in individual(s) with breast cancer (PMID: 34326862). ClinVar contains an entry for this variant (Variation ID: 187363). Invitae Evidence Modeling of protein sequence and biophysical properties (such as structural, functional, and spatial information, amino acid conservation, physicochemical variation, residue mobility, and thermodynamic stability) has been performed for this missense variant. However, the output from this modeling did not meet the statistical confidence thresholds required to predict the impact of this variant on BRIP1 protein function. In summary, the available evidence is currently insufficient to determine the role of this variant in disease. Therefore, it has been classified as a Variant of Uncertain Significance.

Color Diagnostics, LLC DBA Color Health
Classification: Uncertain significance for Hereditary cancer-predisposing syndrome. Last evaluated: 2024-11-14. Review status: criteria provided, single submitter. Criteria: ACMG Guidelines, 2015. Collection method: clinical testing. Allele origin: germline.
Comment: This missense variant replaces serine with cysteine at codon 116 of the BRIP1 protein. Computational prediction suggests that this variant may not impact protein structure and function. To our knowledge, functional studies have not been reported for this variant. This variant has been reported in an individual affected with a familial cancer syndrome (PMID: 34326862). This variant has been identified in 4/282814 chromosomes in the general population by the Genome Aggregation Database (gnomAD). The available evidence is insufficient to determine the role of this variant in disease conclusively. Therefore, this variant is classified as a Variant of Uncertain Significance.

Ambry Genetics
Classification: Uncertain significance for Hereditary cancer-predisposing syndrome. Last evaluated: 2024-10-21. Review status: criteria provided, single submitter. Criteria: Ambry Variant Classification Scheme 2023. Collection method: clinical testing. Allele origin: germline.
Comment: The p.S116C variant (also known as c.347C>G), located in coding exon 3 of the BRIP1 gene, results from a C to G substitution at nucleotide position 347. The serine at codon 116 is replaced by cysteine, an amino acid with dissimilar properties. This variant was identified in a patient with breast cancer as part of a large Canadian cohort study of 2870 individuals (Bhai P et al. Front Genet, 2021 Jul;12:698595). This amino acid position is not well conserved in available vertebrate species. In addition, this alteration is predicted to be tolerated by in silico analysis. Based on the available evidence, the clinical significance of this variant remains unclear.

Hereditary Cancer Laboratory, Hospital Universitario 12 de Octubre
Classification: Uncertain significance for Hereditary cancer-predisposing syndrome. Last evaluated: 2024-03-13. Review status: criteria provided, single submitter. Criteria: ACMG Guidelines, 2015. Collection method: clinical testing. Allele origin: germline.
Comment: PM2+BP4

Baylor Genetics
Classification: Uncertain significance for Familial cancer of breast. Last evaluated: 2023-06-26. Review status: criteria provided, single submitter. Criteria: ACMG Guidelines, 2015. Collection method: clinical testing. Allele origin: unknown.

GeneDx
Classification: Uncertain significance. Last evaluated: 2019-06-10. Review status: criteria provided, single submitter. Criteria: GeneDx Variant Classification Process June 2021. Collection method: clinical testing. Allele origin: germline. Affected: yes.
Comment: Not observed at a significant frequency in large population cohorts (Lek et al., 2016); This variant is associated with the following publications: (PMID: 26921362)

Literature cited by the submitters: PubMed 34326862 (cited by 3 submitters).